The following is an entry in ClinVar:

NM_006929.5(SKIC2):c.3410G>A (p.Arg1137His)

Gene: SKIC2 (SKI2 subunit of superkiller complex; plus strand). Cytogenetic location: 6p21.33.
Variant type: single nucleotide variant.
Coding change: c.3410G>A on transcript NM_006929.5 (MANE Select); coding-DNA position 3410, G replaced by A.
Protein change: p.Arg1137His; replaces arginine 1137 with histidine.
Molecular consequence: missense variant.
Genome position (GRCh38, 1-based): chr6:31,969,290, G>A. VCF-style: chr6-31969290-G-A. GRCh37 (hg19) VCF-style: chr6-31937067-G-A.
Other names: short protein forms R1137H.
Identifiers: ClinVar variation 2416620 (VCV002416620.5), dbSNP rs764271478, ClinGen allele CA3730057.
Genomic context (GRCh38, chr6:31,969,290, plus strand): 5'-CCTGTCCTGGAGCAGGAAGGCAGGCCTTAACCTCTCCTTCTTTCCTGCAGGGAATAGAAC[G>A]TGTCCGGGCTGTGGCCAAGCGGATTGGTGAGGTCCAGGTGGCTTGTGGCCTGAACCAGAC-3'
Protein context (NP_008860.4, residues 1127-1147): LPNTLKQGIE[Arg1137His]VRAVAKRIGE

ClinVar aggregate classification (germline): Uncertain significance (1 of 4 stars; one submission).

gnomAD v4.1: 27 of 1,614,032 alleles (0.0017%); highest among the groups gnomAD compares: Admixed American, 0.0083%; no homozygotes.

Submission:

Labcorp Genetics (formerly Invitae), Labcorp
Classification: Uncertain significance. Last evaluated: 2025-10-21. Review status: criteria provided, single submitter. Criteria: Invitae Variant Classification Sherloc (09022015). Collection method: clinical testing. Allele origin: germline.
Comment: This sequence change replaces arginine, which is basic and polar, with histidine, which is basic and polar, at codon 1137 of the SKIV2L protein (p.Arg1137His). This variant is present in population databases (rs764271478, gnomAD 0.01%). This variant has not been reported in the literature in individuals affected with SKIV2L-related conditions. ClinVar contains an entry for this variant (Variation ID: 2416620). An algorithm developed to predict the effect of missense changes on protein structure and function (PolyPhen-2) suggests that this variant is likely to be tolerated. In summary, the available evidence is currently insufficient to determine the role of this variant in disease. Therefore, it has been classified as a Variant of Uncertain Significance.